The following is an entry in ClinVar:

NM_001098484.3(SLC4A4):c.2764-2dup

Gene: SLC4A4 (solute carrier family 4 member 4; plus strand). Cytogenetic location: 4q13.3.
Variant type: Duplication.
Coding change: c.2764-2dup on transcript NM_001098484.3 (MANE Select); the canonical splice acceptor site of the intron before coding-DNA position 2764, one base duplicated (A; older notation c.2764-2dupA).
Molecular consequence: splice acceptor variant.
Genome position (GRCh38, 1-based): chr4:71,557,710, A duplicated. VCF-style (leftmost placement, unchanged base first): chr4-71557709-C-CA. GRCh37 (hg19) VCF-style: chr4-72423426-C-CA.
Other names: c.2632-2dupA (NM_003759.3); c.2764-2dup (NM_001134742.2); c.2632-2dup (NM_003759.4).
Identifiers: ClinVar variation 349555 (VCV000349555.17), dbSNP rs148961885, ClinGen allele CA2955215.

ClinVar aggregate classification (germline): Benign/Likely benign. Review status: criteria provided, multiple submitters, no conflicts (2 of 4 stars). 4 submissions from 4 submitters: Benign (2); Likely benign (1). 1 of the submissions does not count toward it. Last evaluated 2026-01-05.

Conditions:
SLC4A4-related disorder. Also called: SLC4A4-related condition.

Allele frequency attached by ClinVar (database versions not stated): gnomAD exomes 0.00044 and 0.00130; ExAC 0.00165; gnomAD 0.00461 and 0.00498; TOPMed 0.00530; ESP Exome Variant Server 0.00607; 1000 Genomes Project 30x 0.00625; 1000 Genomes Project 0.00639.

Submissions (4):

Labcorp Genetics (formerly Invitae), Labcorp
Classification: Benign. Last evaluated: 2026-01-05. Review status: criteria provided, single submitter. Criteria: Invitae Variant Classification Sherloc (09022015). Collection method: clinical testing. Allele origin: germline.

Mayo Clinic Laboratories, Mayo Clinic
Classification: Benign. Last evaluated: 2025-09-30. Review status: criteria provided, single submitter. Criteria: ACMG Guidelines, 2015. Collection method: clinical testing. Allele origin: germline. Observed: 2 variant alleles.
Comment: BS1, BS2, BP4, BP7

Center for Pediatric Genomic Medicine, Children's Mercy Hospital and Clinics
Classification: Likely benign. Last evaluated: 2017-05-10. Review status: criteria provided, single submitter. Criteria: ACMG Guidelines, 2015. Collection method: clinical testing. Allele origin: germline.

PreventionGenetics, part of Exact Sciences
Classification: Benign for SLC4A4-related condition. Last evaluated: 2019-04-18. Review status: no assertion criteria provided. Collection method: clinical testing. Allele origin: germline. Not counted in ClinVar's aggregate classification.
Comment: This variant is classified as benign based on ACMG/AMP sequence variant interpretation guidelines (Richards et al. 2015 PMID: 25741868, with internal and published modifications).